The following is an entry in ClinVar:

ClinVar aggregate classification (germline): Uncertain significance (1 of 4 stars; one submission).

Submission:

Labcorp Genetics (formerly Invitae), Labcorp
Classification: Uncertain significance. Last evaluated: 2023-02-14. Review status: criteria provided, single submitter. Criteria: Invitae Variant Classification Sherloc (09022015). Collection method: clinical testing. Allele origin: germline.
Comment: This variant, c.1260_1295del, results in the deletion of 12 amino acid(s) of the KDM1A protein (p.Asp421_Leu432del), but otherwise preserves the integrity of the reading frame. This variant is not present in population databases (gnomAD no frequency). This variant has not been reported in the literature in individuals affected with KDM1A-related conditions. Experimental studies and prediction algorithms are not available or were not evaluated, and the functional significance of this variant is currently unknown. In summary, the available evidence is currently insufficient to determine the role of this variant in disease. Therefore, it has been classified as a Variant of Uncertain Significance.

NM_001009999.3(KDM1A):c.1260_1295del (p.Asp421_Leu432del)

Gene: KDM1A (lysine demethylase 1A; plus strand). Cytogenetic location: 1p36.12.
Variant type: Deletion.
Coding change: c.1260_1295del on transcript NM_001009999.3 (MANE Select); coding-DNA positions 1260 to 1295, 36 bases deleted.
Protein change: p.Asp421_Leu432del.
Molecular consequence: inframe deletion.
Genome position (GRCh38, 1-based): chr1:23,068,619-23,068,654, 36 bases deleted; deleting any 36 consecutive bases within chr1:23,068,617-23,068,654 gives the same sequence; the c. name uses the placement nearest the transcript's 3' end. GRCh37 (hg19): chr1:23,395,112-23,395,147.
Other names: c.1188_1223del, p.Asp397_Leu408del (NM_001363654.2, NM_001410763.1, NM_015013.4); c.1248_1283del, p.Asp417_Leu428del (NM_001410762.1).
Identifiers: ClinVar variation 2837395 (VCV002837395.3), dbSNP rs2522773706, ClinGen allele CA2739272365.